The following is an entry in ClinVar:

NM_002661.5(PLCG2):c.3736C>T (p.Gln1246Ter)

Gene: PLCG2 (phospholipase C gamma 2; plus strand). Cytogenetic location: 16q23.3.
Variant type: single nucleotide variant.
Coding change: c.3736C>T on transcript NM_002661.5 (MANE Select); coding-DNA position 3736, C replaced by T.
Protein change: p.Gln1246Ter; replaces glutamine 1246 with a stop codon.
Molecular consequence: nonsense.
Genome position (GRCh38, 1-based): chr16:81,956,860, C>T. VCF-style: chr16-81956860-C-T. GRCh37 (hg19) VCF-style: chr16-81990465-C-T.
Other names: short protein forms Q1246*.
Identifiers: ClinVar variation 2136971 (VCV002136971.4), dbSNP rs1023329424, ClinGen allele CA396898619.

ClinVar aggregate classification (germline): Uncertain significance (1 of 4 stars; one submission).

Conditions:
Familial cold autoinflammatory syndrome 3 (FCAS3). Also called: ANTIBODY DEFICIENCY AND IMMUNE DYSREGULATION, PLCG2-ASSOCIATED; FAMILIAL ATYPICAL COLD URTICARIA. Identifiers: Orphanet 300359, MedGen C3280914, MONDO:0013766, OMIM 614468.

Submission:

Labcorp Genetics (formerly Invitae), Labcorp
Classification: Uncertain significance for Familial cold autoinflammatory syndrome 3. Last evaluated: 2022-08-20. Review status: criteria provided, single submitter. Criteria: Invitae Variant Classification Sherloc (09022015). Collection method: clinical testing. Allele origin: germline.
Comment: This sequence change creates a premature translational stop signal (p.Gln1246*) in the PLCG2 gene. While this is not anticipated to result in nonsense mediated decay, it is expected to disrupt the last 20 amino acid(s) of the PLCG2 protein. This variant is not present in population databases (gnomAD no frequency). This variant has not been reported in the literature in individuals affected with PLCG2-related conditions. In summary, the available evidence is currently insufficient to determine the role of this variant in disease. Therefore, it has been classified as a Variant of Uncertain Significance.